The following is an entry in ClinVar:

NM_007327.4(GRIN1):c.770A>T (p.Asn257Ile)

Gene: GRIN1 (glutamate ionotropic receptor NMDA type subunit 1; plus strand). Cytogenetic location: 9q34.3.
Variant type: single nucleotide variant.
Coding change: c.770A>T on transcript NM_007327.4 (MANE Select); coding-DNA position 770, A replaced by T.
Protein change: p.Asn257Ile; replaces asparagine 257 with isoleucine.
Molecular consequence: missense variant.
Genome position (GRCh38, 1-based): chr9:137,156,767, A>T. VCF-style: chr9-137156767-A-T. GRCh37 (hg19) VCF-style: chr9-140051219-A-T.
Other names: c.770A>T, p.Asn257Ile (NM_000832.7, NM_021569.4); c.833A>T, p.Asn278Ile (NM_001185090.2, NM_001185091.2); short protein forms N257I, N278I.
Identifiers: ClinVar variation 2695168 (VCV002695168.3), dbSNP rs1432014707, ClinGen allele CA375714825.

ClinVar aggregate classification (germline): Uncertain significance (1 of 4 stars; one submission).

Conditions:
Neurodevelopmental disorder with or without hyperkinetic movements and seizures, autosomal dominant. Also called: Intellectual disability, autosomal dominant 8. Identifiers: MedGen C3280282, MONDO:0013655, OMIM 614254.

Submission:

Labcorp Genetics (formerly Invitae), Labcorp
Classification: Uncertain significance for Neurodevelopmental disorder with or without hyperkinetic movements and seizures, autosomal dominant. Last evaluated: 2023-11-11. Review status: criteria provided, single submitter. Criteria: Invitae Variant Classification Sherloc (09022015). Collection method: clinical testing. Allele origin: germline.
Comment: This sequence change replaces asparagine, which is neutral and polar, with isoleucine, which is neutral and non-polar, at codon 257 of the GRIN1 protein (p.Asn257Ile). This variant is not present in population databases (gnomAD no frequency). This variant has not been reported in the literature in individuals affected with GRIN1-related conditions. Advanced modeling of protein sequence and biophysical properties (such as structural, functional, and spatial information, amino acid conservation, physicochemical variation, residue mobility, and thermodynamic stability) has been performed at Invitae for this missense variant, however the output from this modeling did not meet the statistical confidence thresholds required to predict the impact of this variant on GRIN1 protein function. In summary, the available evidence is currently insufficient to determine the role of this variant in disease. Therefore, it has been classified as a Variant of Uncertain Significance.